The following is an entry in ClinVar:

ClinVar aggregate classification (germline): Uncertain significance (1 of 4 stars; one submission).

Conditions:
Nephronophthisis 15 (NPHP15). Identifiers: Orphanet 3156, MedGen C3541853, MONDO:0013917, OMIM 614845.

Allele frequency attached by ClinVar (database versions not stated): gnomAD exomes below 0.00001; gnomAD 0.00002.
gnomAD v4.1: 4 of 1,609,036 alleles (0.00025%); highest among the groups gnomAD compares: African/African-American, 0.0053%; no homozygotes.

Submission:

Labcorp Genetics (formerly Invitae), Labcorp
Classification: Uncertain significance for Nephronophthisis 15. Last evaluated: 2019-11-01. Review status: criteria provided, single submitter. Criteria: Invitae Variant Classification Sherloc (09022015). Collection method: clinical testing. Allele origin: germline.
Comment: This sequence change replaces proline with serine at codon 473 of the CEP164 protein (p.Pro473Ser). The proline residue is moderately conserved and there is a moderate physicochemical difference between proline and serine. This variant is not present in population databases (ExAC no frequency). This variant has not been reported in the literature in individuals with CEP164-related conditions. Algorithms developed to predict the effect of missense changes on protein structure and function output the following: SIFT: "Tolerated"; PolyPhen-2: "Probably Damaging"; Align-GVGD: "Class C0". The serine amino acid residue is found in multiple mammalian species, suggesting that this missense change does not adversely affect protein function. These predictions have not been confirmed by published functional studies and their clinical significance is uncertain. In summary, the available evidence is currently insufficient to determine the role of this variant in disease. Therefore, it has been classified as a Variant of Uncertain Significance.

NM_014956.5(CEP164):c.1417C>T (p.Pro473Ser)

Gene: CEP164 (centrosomal protein 164; plus strand). Cytogenetic location: 11q23.3.
Variant type: single nucleotide variant.
Coding change: c.1417C>T on transcript NM_014956.5 (MANE Select); coding-DNA position 1417, C replaced by T.
Protein change: p.Pro473Ser; replaces proline 473 with serine.
Molecular consequence: missense variant.
Genome position (GRCh38, 1-based): chr11:117,381,708, C>T. VCF-style: chr11-117381708-C-T. GRCh37 (hg19) VCF-style: chr11-117252424-C-T.
Other names: c.1426C>T, p.Pro476Ser (NM_001271933.2); short protein forms P473S, P476S.
Identifiers: ClinVar variation 970807 (VCV000970807.9), dbSNP rs1481684034, ClinGen allele CA382742043.